The following is an entry in ClinVar:

ClinVar aggregate classification (germline): Likely pathogenic. Review status: criteria provided, multiple submitters, no conflicts (2 of 4 stars). 8 submissions from 8 submitters: Likely pathogenic (8). Last evaluated 2026-05-21.

Conditions:
Arrhythmogenic right ventricular dysplasia 8 (ARVD8). Also called: ARRHYTHMOGENIC RIGHT VENTRICULAR CARDIOMYOPATHY 8; ARRHYTHMOGENIC RIGHT VENTRICULAR DYSPLASIA, FAMILIAL, 8; Arrhythmogenic Right Ventricular Dysplasia/Cardiomyopathy 8. Identifiers: MedGen C1843896, MONDO:0011831, OMIM 607450.
Arrhythmogenic cardiomyopathy with wooly hair and keratoderma. Also called: Carvajal syndrome; PALMOPLANTAR KERATODERMA WITH LEFT VENTRICULAR CARDIOMYOPATHY AND WOOLLY HAIR; Arrhythmogenic cardiomyopathy with woolly hair and keratoderma; Dilated cardiomyopathy with woolly hair and keratoderma. Identifiers: Orphanet 65282, MedGen C1854063, MONDO:0011581, OMIM 605676.
Arrhythmogenic right ventricular cardiomyopathy (ARVD). Also called: Cardiomyopathy, ARVC; Arrhythmogenic right ventricular dysplasia; Arrhythmogenic cardiomyopathy; Arrhythmogenic Right Ventricular Cardiomyopathy (ARVC). Identifiers: Orphanet 247, MedGen C0349788, MeSH D019571, MONDO:0016587. Disease mechanism: loss of function. Inheritance: Various modes of inheritance.
Cardiomyopathy (CMYO). Also called: Cardiomyopathies. Identifiers: Orphanet 167848, MedGen C0878544, MONDO:0004994, HP:0001638. Inheritance: Various modes of inheritance.
DSP-related disorder. Also called: DSP-related disorders; DSP-related condition.
Cardiovascular phenotype. Identifiers: MedGen CN230736.

Submissions (8):

GeneDx
Classification: Likely pathogenic. Last evaluated: 2026-05-21. Review status: criteria provided, single submitter. Criteria: GeneDx Variant Classification Process June 2021. Collection method: clinical testing. Allele origin: germline.
Comment: Canonical splice site variant predicted to result in a null allele in a gene for which loss of function is a known mechanism of disease; Not observed at significant frequency in large population cohorts (gnomAD); This variant is associated with the following publications: (PMID: 31447099, 34352074, 35753512)

Labcorp Genetics (formerly Invitae), Labcorp
Classification: Likely pathogenic for Arrhythmogenic cardiomyopathy with wooly hair and keratoderma; Arrhythmogenic right ventricular dysplasia 8. Last evaluated: 2025-10-29. Review status: criteria provided, single submitter. Criteria: Invitae Variant Classification Sherloc (09022015). Collection method: clinical testing. Allele origin: germline.
Comment: This sequence change affects an acceptor splice site in intron 17 of the DSP gene. It is expected to disrupt RNA splicing. Variants that disrupt the donor or acceptor splice site typically lead to a loss of protein function (PMID: 16199547), and loss-of-function variants in DSP are known to be pathogenic (PMID: 20716751, 24503780, 25227139, 30398466). This variant is not present in population databases (gnomAD no frequency). Disruption of this splice site has been observed in individual(s) with arrhythmogenic right ventricular cardiomyopathy (PMID: 34352074). ClinVar contains an entry for this variant (Variation ID: 372644). Algorithms developed to predict the effect of sequence changes on RNA splicing suggest that this variant may disrupt the consensus splice site. In summary, the currently available evidence indicates that the variant is pathogenic, but additional data are needed to prove that conclusively. Therefore, this variant has been classified as Likely Pathogenic.

PreventionGenetics, part of Exact Sciences
Classification: Likely pathogenic for DSP-related condition. Last evaluated: 2025-10-16. Review status: criteria provided, single submitter. Criteria: ACMG Guidelines, 2015. Collection method: clinical testing. Allele origin: germline.
Comment: The DSP c.2437-1G>C variant is predicted to disrupt the AG splice acceptor site and interfere with normal splicing. This variant has been reported in an individual with arrhythmogenic cardiomyopathy (Table S1, Wang et al. 2022. PubMed ID: 34352074). It has also been identified as a secondary finding in large cohorts of individuals undergoing clinical exome sequencing (Table S10, Zouk et al. 2019. PubMed ID: 31447099; Table E4, Similuk et al. 2022. PubMed ID: 35753512). This variant has not been reported in a large population database (gnomAD), indicating this variant is rare. Variants that disrupt the consensus splice acceptor site in DSP are expected to be pathogenic. This variant is consistently interpreted as likely pathogenic in ClinVar (ClinVar ID: 372644). This variant is interpreted as likely pathogenic.

Ambry Genetics
Classification: Likely pathogenic for Cardiovascular phenotype. Last evaluated: 2025-06-24. Review status: criteria provided, single submitter. Criteria: Ambry Variant Classification Scheme 2023. Collection method: clinical testing. Allele origin: germline.
Comment: The c.2437-1G>C intronic variant results from a G to C substitution one nucleotide upstream from coding exon 18 of the DSP gene. This nucleotide position is highly conserved in available vertebrate species. In silico splice site analysis predicts that this alteration will weaken the native splice acceptor site and will result in the creation or strengthening of a novel splice acceptor site. This variant is considered to be rare based on population cohorts in the Genome Aggregation Database (gnomAD). Alterations that disrupt the canonical splice site are expected to cause aberrant splicing, resulting in an abnormal protein or a transcript that is subject to nonsense-mediated mRNA decay. As such, this alteration is classified as likely pathogenic.

Color Diagnostics, LLC DBA Color Health
Classification: Likely pathogenic for Cardiomyopathy. Last evaluated: 2024-06-18. Review status: criteria provided, single submitter. Criteria: ACMG Guidelines, 2015. Collection method: clinical testing. Allele origin: germline.
Comment: This variant causes a G to C nucleotide substitution at the canonical -1 position of intron 17 splice acceptor site of the DSP gene. Splice site prediction tools predict that this variant may have a significant impact on RNA splicing. Although functional studies have not been reported for this variant, it is expected to result in an absent or non-functional protein product. This variant has been reported in individuals affected with arrhythmogenic cardiomyopathy (PMID: 34352074; communication with an external laboratory, ClinVar SCV000491020.3). This variant has not been identified in the general population by the Genome Aggregation Database (gnomAD). Loss of DSP function is a known mechanism of disease. Based on the available evidence, this variant is classified as Likely Pathogenic.

All of Us Research Program, National Institutes of Health
Classification: Likely pathogenic for Arrhythmogenic cardiomyopathy with wooly hair and keratoderma. Last evaluated: 2024-05-13. Review status: criteria provided, single submitter. Criteria: ACMG Guidelines, 2015. Collection method: clinical testing. Allele origin: germline. Inheritance: Autosomal dominant inheritance. Observed: 2 variant alleles, 2 heterozygotes.
Comment: This variant causes a G to C nucleotide substitution at the canonical -1 position of intron 17 splice acceptor site of the DSP gene. Splice site prediction tools predict that this variant may have a significant impact on RNA splicing. Although functional studies have not been reported for this variant, it is expected to result in an absent or non-functional protein product. This variant has been reported in individuals affected with arrhythmogenic cardiomyopathy (PMID: 34352074; communication with an external laboratory, ClinVar SCV000491020.3). This variant has not been identified in the general population by the Genome Aggregation Database (gnomAD). Loss of DSP function is a known mechanism of disease. Based on the available evidence, this variant is classified as Likely Pathogenic.

This study involves interpretation of variants in research participants for the purpose of population health screening. Participant phenotype was not available at the time of variant classification. Additional details can be found in publication PMID: 35346344, PMCID: PMC8962531

National Institute of Allergy and Infectious Diseases - Centralized Sequencing Program, National Institutes of Health
Classification: Likely pathogenic for Arrhythmogenic right ventricular dysplasia 8. Last evaluated: 2021-08-06. Review status: criteria provided, single submitter. Criteria: ACMG Guidelines, 2015. Collection method: clinical testing. Allele origin: germline. Affected: no.

Laboratory for Molecular Medicine, Mass General Brigham Personalized Medicine
Classification: Likely pathogenic for Arrhythmogenic right ventricular cardiomyopathy. Last evaluated: 2018-05-04. Review status: criteria provided, single submitter. Criteria: LMM Criteria. Collection method: clinical testing. Allele origin: germline. Observed: 1 variant allele.
Comment: The c.2437-1G>C variant in DSP has not been previously reported in individuals w ith cardiomyopathy and was absent from large population studies. It has been rep orted in ClinVar (Variation ID: 372644). This variant occurs in the invariant re gion (+/- 1,2) of the splice consensus sequence and is predicted to cause altere d splicing leading to an abnormal or absent protein. Other splice site variants have been reported in individuals with ARVC (HGMD database) and many splice vari ants lead to absent protein (loss of function), which is an established mechanis m of disease for DSP. In summary, although additional studies are required to fu lly establish its clinical significance, the c.2437-1G>C variant is likely patho genic. ACMG/AMP criteria applied: PVS1, PM2.

Literature cited by the submitters: PubMed 16199547 (cited by Labcorp Genetics (formerly Invitae), Labcorp); PubMed 20716751 (cited by Labcorp Genetics (formerly Invitae), Labcorp); PubMed 24503780 (cited by Labcorp Genetics (formerly Invitae), Labcorp); PubMed 25227139 (cited by Labcorp Genetics (formerly Invitae), Labcorp); PubMed 30398466 (cited by Labcorp Genetics (formerly Invitae), Labcorp); PubMed 34352074 (cited by 3 submitters); PubMed 31447099 (cited by Ambry Genetics).

NM_004415.4(DSP):c.2437-1G>C

Gene: DSP (desmoplakin; plus strand). Cytogenetic location: 6p24.3.
Variant type: single nucleotide variant.
Coding change: c.2437-1G>C on transcript NM_004415.4 (MANE Select); the canonical splice acceptor site of the intron before coding-DNA position 2437, G replaced by C.
Molecular consequence: splice acceptor variant.
Genome position (GRCh38, 1-based): chr6:7,575,294, G>C. VCF-style: chr6-7575294-G-C. GRCh37 (hg19) VCF-style: chr6-7575527-G-C.
Other names: c.2437-1G>C (NM_001319034.2, NM_001008844.3).
Identifiers: ClinVar variation 372644 (VCV000372644.29), dbSNP rs1057517903, ClinGen allele CA16042651.